The following is an entry in ClinVar:

ClinVar aggregate classification (germline): Likely benign (1 of 4 stars; one submission).

Submission:

GeneDx
Classification: Likely benign. Last evaluated: 2017-01-16. Review status: criteria provided, single submitter. Criteria: GeneDx Variant Classification (06012015). Collection method: clinical testing. Allele origin: germline. Affected: yes.
Comment: This variant is considered likely benign or benign based on one or more of the following criteria: it is a conservative change, it occurs at a poorly conserved position in the protein, it is predicted to be benign by multiple in silico algorithms, and/or has population frequency not consistent with disease.

NM_015634.4(KIFBP):c.991-8dup

Gene: KIFBP (kinesin family binding protein; plus strand). Cytogenetic location: 10q22.1.
Variant type: Duplication.
Coding change: c.991-8dup on transcript NM_015634.4 (MANE Select); 8 bases into the intron before coding-DNA position 991, one base duplicated (T; older notation c.991-8dupT).
Molecular consequence: intron variant.
Genome position (GRCh38, 1-based): chr10:69,015,533, T duplicated; the last of 9 consecutive T bases (chr10:69,015,525-69,015,533); duplicating any one gives the same sequence. VCF-style (leftmost placement, unchanged base first): chr10-69015524-A-AT. GRCh37 (hg19) VCF-style: chr10-70775280-A-AT.
Other names: c.991-8dupT (NM_015634.3).
Identifiers: ClinVar variation 423024 (VCV000423024.1), dbSNP rs753233197, ClinGen allele CA5529828.
Genomic context (GRCh38, chr10:69,015,524, plus strand): 5'-TGAAGTTTGCTTTAATATTATTTAACAGCAGGAGGTGAGTGTCCTACTTAACCATAATTT[A>AT]TTTTTTTTTCCTTCAGGACAACATAGGAGAGCTTGATCTTGATAAACAGTCTGAACTTAG-3'